The following is an entry in ClinVar:

ClinVar aggregate classification (germline): Pathogenic (1 of 4 stars; one submission).

Submission:

Labcorp Genetics (formerly Invitae), Labcorp
Classification: Pathogenic. Last evaluated: 2024-01-03. Review status: criteria provided, single submitter. Criteria: Invitae Variant Classification Sherloc (09022015). Collection method: clinical testing. Allele origin: germline.
Comment: This sequence change creates a premature translational stop signal (p.Asn54Thrfs*4) in the KATNB1 gene. It is expected to result in an absent or disrupted protein product. Loss-of-function variants in KATNB1 are known to be pathogenic (PMID: 25521378, 25521379). This variant is not present in population databases (gnomAD no frequency). This variant has not been reported in the literature in individuals affected with KATNB1-related conditions. For these reasons, this variant has been classified as Pathogenic.

Literature cited by the submitters: PubMed 25521378; PubMed 25521379.

NM_005886.3(KATNB1):c.161del (p.Asn54fs)

Gene: KATNB1 (katanin regulatory subunit B1; plus strand). Cytogenetic location: 16q21.
Variant type: Deletion.
Coding change: c.161del on transcript NM_005886.3 (MANE Select); coding-DNA position 161, one base deleted (A; older notation c.161delA).
Protein change: p.Asn54fs; shifts the reading frame from asparagine 54.
Molecular consequence: frameshift variant.
Genome position (GRCh38, 1-based): chr16:57,741,807, A deleted; the last of 2 consecutive A bases (chr16:57,741,806-57,741,807); deleting either gives the same sequence. VCF-style (leftmost placement, unchanged base first): chr16-57741805-CA-C. GRCh37 (hg19) VCF-style: chr16-57775717-CA-C.
Other names: short protein forms N54fs.
Identifiers: ClinVar variation 2704589 (VCV002704589.3), dbSNP rs2506891792, ClinGen allele CA2697555881.
Genomic context (GRCh38, chr16:57,741,805, plus strand): 5'-GCGGCTGCTGGCTACAGGCGGGGATGACTGCCGCGTCAACCTGTGGTCCATCAACAAGCC[CA>C]ACTGCATCATGGTGAGCCCCGACAGCTGGCGGGGGGTCAGGACAAGGGCCTGGGGAGGGG-3'